The following is an entry in ClinVar:

NM_007348.4(ATF6):c.77A>G (p.Asp26Gly)

Gene: ATF6 (activating transcription factor 6; plus strand). Cytogenetic location: 1q23.3.
Variant type: single nucleotide variant.
Coding change: c.77A>G on transcript NM_007348.4 (MANE Select); coding-DNA position 77, A replaced by G.
Protein change: p.Asp26Gly; replaces aspartic acid 26 with glycine.
Molecular consequence: missense variant.
Genome position (GRCh38, 1-based): chr1:161,766,437, A>G. VCF-style: chr1-161766437-A-G. GRCh37 (hg19) VCF-style: chr1-161736227-A-G.
Other names: short protein forms D26G.
Identifiers: ClinVar variation 1006800 (VCV001006800.3), dbSNP rs747873305, ClinGen allele CA1214076.

ClinVar aggregate classification (germline): Uncertain significance. Review status: criteria provided, single submitter (1 of 4 stars). 2 submissions from 2 submitters: Uncertain significance (1). 1 of the submissions does not count toward it. Last evaluated 2022-06-20.

Conditions:
Retinal dystrophy. Also called: Inherited retinal dystrophy. Identifiers: Orphanet 71862, MedGen C0854723, MeSH D058499, MONDO:0019118, HP:0000556.

Allele frequency attached by ClinVar (database versions not stated): ExAC 0.00002; gnomAD exomes 0.00002 and 0.00008; TOPMed 0.00003; gnomAD 0.00005.
gnomAD v4.1: 116 of 1,612,800 alleles (0.0072%); highest among the groups gnomAD compares: Non-Finnish European, 0.0096%; no homozygotes.

Submissions (2):

Labcorp Genetics (formerly Invitae), Labcorp
Classification: Uncertain significance. Last evaluated: 2022-06-20. Review status: criteria provided, single submitter. Criteria: Invitae Variant Classification Sherloc (09022015). Collection method: clinical testing. Allele origin: germline.
Comment: This sequence change replaces aspartic acid, which is acidic and polar, with glycine, which is neutral and non-polar, at codon 26 of the ATF6 protein (p.Asp26Gly). This variant is present in population databases (rs747873305, gnomAD 0.006%). This variant has not been reported in the literature in individuals affected with ATF6-related conditions. ClinVar contains an entry for this variant (Variation ID: 1006800). Algorithms developed to predict the effect of missense changes on protein structure and function (SIFT, PolyPhen-2, Align-GVGD) all suggest that this variant is likely to be tolerated. Algorithms developed to predict the effect of sequence changes on RNA splicing suggest that this variant may create or strengthen a splice site. In summary, the available evidence is currently insufficient to determine the role of this variant in disease. Therefore, it has been classified as a Variant of Uncertain Significance.

Institute of Human Genetics, Univ. Regensburg, Univ. Regensburg
Classification: Uncertain significance for Retinal dystrophy. Last evaluated: 2023-01-01. Review status: no assertion criteria provided. Criteria: ACMG Guidelines, 2015. Collection method: clinical testing. Allele origin: germline. Affected: yes. Not counted in ClinVar's aggregate classification.